The following is an entry in ClinVar:

NM_000152.5(GAA):c.1637-10_1637-9delinsGA

Gene: GAA (alpha glucosidase; plus strand). Cytogenetic location: 17q25.3.
Variant type: Indel.
Coding change: c.1637-10_1637-9delinsGA on transcript NM_000152.5 (MANE Select); 10 bases into the intron before coding-DNA position 1637 through 9 bases into the intron before coding-DNA position 1637, CC replaced by GA.
Molecular consequence: intron variant.
Genome position (GRCh38, 1-based): chr17:80,111,973-80,111,974, CC replaced by GA. VCF-style: chr17-80111973-CC-GA. GRCh37 (hg19) VCF-style: chr17-78085772-CC-GA.
Other names: c.1637-10_1637-9delinsGA (NM_001079803.3, NM_001079804.3).
Identifiers: ClinVar variation 1359491 (VCV001359491.6), dbSNP rs2143882002, ClinGen allele CA2573154981.

ClinVar aggregate classification (germline): Uncertain significance (1 of 4 stars; one submission).

Conditions:
Glycogen storage disease, type II (IOPD). Also called: Glucosidase acid-1,4-alpha deficiency; Pompe Disease; POMPE DISEASE, INFANTILE-ONSET; GLYCOGEN STORAGE DISEASE II, INFANTILE-ONSET; ACID ALPHA-GLUCOSIDASE DEFICIENCY, INFANTILE-ONSET; GAA DEFICIENCY, INFANTILE-ONSET. Identifiers: Orphanet 365, MedGen C0017921, MONDO:0009290, OMIM 232300.

Submission:

Labcorp Genetics (formerly Invitae), Labcorp
Classification: Uncertain significance for Glycogen storage disease, type II. Last evaluated: 2024-02-24. Review status: criteria provided, single submitter. Criteria: Invitae Variant Classification Sherloc (09022015). Collection method: clinical testing. Allele origin: germline.
Comment: This sequence change falls in intron 11 of the GAA gene. It does not directly change the encoded amino acid sequence of the GAA protein. Information on the frequency of this variant in the gnomAD database is not available, as this variant may be reported differently in the database. This variant has not been reported in the literature in individuals affected with GAA-related conditions. ClinVar contains an entry for this variant (Variation ID: 1359491). In summary, the available evidence is currently insufficient to determine the role of this variant in disease. Therefore, it has been classified as a Variant of Uncertain Significance.